The following is an entry in ClinVar:

NM_007294.4(BRCA1):c.5011A>T (p.Lys1671Ter)

Gene: BRCA1 (BRCA1 DNA repair associated; minus strand). Cytogenetic location: 17q21.31.
Variant type: single nucleotide variant.
Coding change: c.5011A>T on transcript NM_007294.4 (MANE Select); coding-DNA position 5011, A replaced by T.
Protein change: p.Lys1671Ter; replaces lysine 1671 with a stop codon.
Molecular consequence: nonsense. On other transcripts: non-coding transcript variant (1).
Genome position (GRCh38, 1-based): chr17:43,067,671, T>A on the plus strand (A>T on the coding strand, the complement: BRCA1 is on the minus strand). VCF-style: chr17-43067671-T-A. GRCh37 (hg19) VCF-style: chr17-41219688-T-A.
Other names: c.4798A>T, p.Lys1600Ter (NM_001407571.1, NM_001407894.1, NM_001407895.1 and 12 more transcripts); c.5077A>T, p.Lys1693Ter (NM_001407581.1, NM_001407582.1); c.5074A>T, p.Lys1692Ter (NM_001407583.1, NM_001407585.1, NM_001407587.1 and 1 more transcripts); c.5071A>T, p.Lys1691Ter (NM_001407590.1, NM_001407591.1); c.5011A>T, p.Lys1671Ter (NM_001407593.1, NM_001407594.1, NM_001407596.1 and 8 more transcripts); c.5008A>T, p.Lys1670Ter (NM_001407620.1, NM_001407621.1, NM_001407622.1 and 17 more transcripts); c.5005A>T, p.Lys1669Ter (NM_001407627.1, NM_001407628.1, NM_001407639.1 and 14 more transcripts); c.5002A>T, p.Lys1668Ter (NM_001407644.1, NM_001407645.1); and 70 more; short protein forms K1692*, K1671*, K1624*, K567*, K1643*, K1644*, K1670*, K455*.
Identifiers: ClinVar variation 867536 (VCV000867536.3), dbSNP rs2052181996, ClinGen allele CA10591496.

Conditions:
Breast-ovarian cancer, familial, susceptibility to, 1 (BROVCA1). Also called: BRCA1 Hereditary Breast and Ovarian Cancer; OVARIAN CANCER, SUSCEPTIBILITY TO. Identifiers: Orphanet 145, MedGen C2676676, MONDO:0011450, OMIM 604370. Disease mechanism: loss of function.

Submission:

Brotman Baty Institute, University of Washington
No classification provided (evidence only). Condition: Breast-ovarian cancer, familial 1. Review status: no classification provided. Collection method: in vitro. Allele origin: not applicable. Functional consequence: functionally_abnormal.
ClinVar note: "not provided" was previously submitted as the classification for the variant. However, the classification appeared to be based only on an observation of functional data so it was converted to no classification on 2025-07-30.